The following is an entry in ClinVar:

ClinVar aggregate classification (germline): Uncertain significance (1 of 4 stars; one submission).

Allele frequency attached by ClinVar (database versions not stated): gnomAD exomes below 0.00001.
gnomAD v4.1: 3 of 1,416,042 alleles (0.00021%); highest among the groups gnomAD compares: Non-Finnish European, 0.00028%; no homozygotes.

Submission:

Labcorp Genetics (formerly Invitae), Labcorp
Classification: Uncertain significance. Last evaluated: 2022-06-01. Review status: criteria provided, single submitter. Criteria: Invitae Variant Classification Sherloc (09022015). Collection method: clinical testing. Allele origin: germline.
Comment: In summary, the available evidence is currently insufficient to determine the role of this variant in disease. Therefore, it has been classified as a Variant of Uncertain Significance. This sequence change replaces serine, which is neutral and polar, with threonine, which is neutral and polar, at codon 2001 of the APC2 protein (p.Ser2001Thr). This variant is not present in population databases (gnomAD no frequency). This variant has not been reported in the literature in individuals affected with APC2-related conditions. Algorithms developed to predict the effect of missense changes on protein structure and function (SIFT, PolyPhen-2, Align-GVGD) all suggest that this variant is likely to be tolerated.

NM_005883.3(APC2):c.6001T>A (p.Ser2001Thr)

Gene: APC2 (APC regulator of Wnt signaling pathway 2; plus strand). Cytogenetic location: 19p13.3.
Variant type: single nucleotide variant.
Coding change: c.6001T>A on transcript NM_005883.3 (MANE Select); coding-DNA position 6001, T replaced by A.
Protein change: p.Ser2001Thr; replaces serine 2001 with threonine.
Molecular consequence: missense variant.
Genome position (GRCh38, 1-based): chr19:1,469,302, T>A. VCF-style: chr19-1469302-T-A. GRCh37 (hg19) VCF-style: chr19-1469301-T-A.
Other names: c.5998T>A, p.Ser2000Thr (NM_001351273.1); short protein forms S2000T, S2001T.
Identifiers: ClinVar variation 1905997 (VCV001905997.5), dbSNP rs1347298016, ClinGen allele CA403042341.